The following is an entry in ClinVar:

ClinVar aggregate classification (germline): Likely benign (1 of 4 stars; one submission).

Conditions:
Catecholaminergic polymorphic ventricular tachycardia (CVPT). Also called: Catecholamine-induced polymorphic ventricular tachycardia. Identifiers: Orphanet 3286, MedGen C5574922, MONDO:0017990.

Submission:

All of Us Research Program, National Institutes of Health
Classification: Likely benign for Catecholaminergic polymorphic ventricular tachycardia. Last evaluated: 2023-10-23. Review status: criteria provided, single submitter. Criteria: ACMG Guidelines, 2015. Collection method: clinical testing. Allele origin: germline. Inheritance: Autosomal dominant inheritance. Observed: 1 variant allele, 1 heterozygote.
Comment: This study involves interpretation of variants in research participants for the purpose of population health screening. Participant phenotype was not available at the time of variant classification. Additional details can be found in publication PMID: 35346344, PMCID: PMC8962531

NM_001035.3(RYR2):c.6556-7T>C

Gene: RYR2 (ryanodine receptor 2; plus strand). Cytogenetic location: 1q43.
Variant type: single nucleotide variant.
Coding change: c.6556-7T>C on transcript NM_001035.3 (MANE Select); 7 bases into the intron before coding-DNA position 6556, T replaced by C.
Molecular consequence: intron variant.
Genome position (GRCh38, 1-based): chr1:237,633,571, T>C. VCF-style: chr1-237633571-T-C. GRCh37 (hg19) VCF-style: chr1-237796871-T-C.
Identifiers: ClinVar variation 3074072 (VCV003074072.1), dbSNP rs2546926360, ClinGen allele CA075042.